The following is an entry in ClinVar:

ClinVar aggregate classification (germline): Uncertain significance. Review status: criteria provided, multiple submitters, no conflicts (2 of 4 stars). 2 submissions from 2 submitters: Uncertain significance (2). Last evaluated 2024-09-01.

Conditions:
Inborn genetic diseases. Identifiers: MedGen C0950123, MeSH D030342.
2-aminoadipic 2-oxoadipic aciduria (AAKAD). Also called: ALPHA-AMINOADIPIC AND ALPHA-KETOADIPIC ACIDURIA; Aminoadipic aciduria. Identifiers: Orphanet 79154, MedGen C1859817, MONDO:0008774, OMIM 204750.

Allele frequency attached by ClinVar (database versions not stated): ESP Exome Variant Server 0.00008.
gnomAD v4.1: 9 of 1,612,974 alleles (0.00056%); highest among the groups gnomAD compares: Admixed American, 0.0067%; no homozygotes.

Submissions (2):

Ambry Genetics
Classification: Uncertain significance for Inborn genetic diseases. Last evaluated: 2024-09-01. Review status: criteria provided, single submitter. Criteria: Ambry Variant Classification Scheme 2023. Collection method: clinical testing. Allele origin: germline.

Labcorp Genetics (formerly Invitae), Labcorp
Classification: Uncertain significance for 2-aminoadipic 2-oxoadipic aciduria. Last evaluated: 2022-07-19. Review status: criteria provided, single submitter. Criteria: Invitae Variant Classification Sherloc (09022015). Collection method: clinical testing. Allele origin: germline.
Comment: This sequence change replaces glycine, which is neutral and non-polar, with cysteine, which is neutral and slightly polar, at codon 14 of the DHTKD1 protein (p.Gly14Cys). This variant is present in population databases (rs146881212, gnomAD 0.01%). This variant has not been reported in the literature in individuals affected with DHTKD1-related conditions. Algorithms developed to predict the effect of missense changes on protein structure and function output the following: SIFT: "Tolerated"; PolyPhen-2: "Not Available"; Align-GVGD: "Class C0". The cysteine amino acid residue is found in multiple mammalian species, which suggests that this missense change does not adversely affect protein function. In summary, the available evidence is currently insufficient to determine the role of this variant in disease. Therefore, it has been classified as a Variant of Uncertain Significance.

NM_018706.7(DHTKD1):c.40G>T (p.Gly14Cys)

Gene: DHTKD1 (dehydrogenase E1 and transketolase domain containing 1; plus strand). Cytogenetic location: 10p14.
Variant type: single nucleotide variant.
Coding change: c.40G>T on transcript NM_018706.7 (MANE Select); coding-DNA position 40, G replaced by T.
Protein change: p.Gly14Cys; replaces glycine 14 with cysteine.
Molecular consequence: missense variant.
Genome position (GRCh38, 1-based): chr10:12,069,073, G>T. VCF-style: chr10-12069073-G-T. GRCh37 (hg19) VCF-style: chr10-12111072-G-T.
Other names: c.40G>T (NM_018706.5); short protein forms G14C.
Identifiers: ClinVar variation 2065832 (VCV002065832.5), dbSNP rs146881212, ClinGen allele CA5407417.
Genomic context (GRCh38, chr10:12,069,073, plus strand): 5'-TGGCCGGGACATCTGGTGAACATGGCCTCTGCTACTGCGGCAGCAGCACGACGGGGCCTC[G>T]GCCGGGCTCTCCCTCTCTTCTGGCGTGGCTACCAGACCGAGCGGGGCGTTTACGGCTACC-3'
Protein context (NP_061176.4, residues 4-24): ATAAAARRGL[Gly14Cys]RALPLFWRGY